The following is an entry in ClinVar:

ClinVar aggregate classification (germline): Uncertain significance. Review status: criteria provided, multiple submitters, no conflicts (2 of 4 stars). 3 submissions from 3 submitters: Uncertain significance (2). 1 of the submissions does not count toward it. Last evaluated 2024-05-24.

Conditions:
Tumoral calcinosis, hyperphosphatemic, familial, 3. Identifiers: MedGen C4693864, MONDO:0060715, OMIM 617994.

Allele frequency attached by ClinVar (database versions not stated): gnomAD exomes 0.00001; ExAC 0.00002; gnomAD 0.00002; TOPMed 0.00002.
gnomAD v4.1: 15 of 1,608,570 alleles (0.00093%); highest among the groups gnomAD compares: Middle Eastern, 0.017%; no homozygotes.

Submissions (3):

Labcorp Genetics (formerly Invitae), Labcorp
Classification: Uncertain significance. Last evaluated: 2024-05-24. Review status: criteria provided, single submitter. Criteria: Invitae Variant Classification Sherloc (09022015). Collection method: clinical testing. Allele origin: germline.
Comment: This sequence change replaces asparagine, which is neutral and polar, with serine, which is neutral and polar, at codon 166 of the KL protein (p.Asn166Ser). This variant is present in population databases (rs387907444, gnomAD 0.009%). This variant has not been reported in the literature in individuals affected with KL-related conditions. ClinVar contains an entry for this variant (Variation ID: 64551). Advanced modeling of protein sequence and biophysical properties (such as structural, functional, and spatial information, amino acid conservation, physicochemical variation, residue mobility, and thermodynamic stability) performed at Invitae indicates that this missense variant is not expected to disrupt KL protein function with a negative predictive value of 80%. In summary, the available evidence is currently insufficient to determine the role of this variant in disease. Therefore, it has been classified as a Variant of Uncertain Significance.

Fulgent Genetics
Classification: Uncertain significance for Tumoral calcinosis, hyperphosphatemic, familial, 3. Last evaluated: 2022-03-29. Review status: criteria provided, single submitter. Criteria: ACMG Guidelines, 2015. Collection method: clinical testing. Allele origin: unknown.

Martin Pollak Laboratory,  Beth Israel Deaconess Medical Center
Classification: Uncertain significance. Review status: no assertion criteria provided. Collection method: not provided. Allele origin: unknown. Not counted in ClinVar's aggregate classification.
Comment: Lower UCa2+ group
ClinVar note: Converted during submission from unknown to Uncertain significance.

NM_004795.4(KL):c.497A>G (p.Asn166Ser)

Gene: KL (klotho; plus strand). Cytogenetic location: 13q13.1.
Variant type: single nucleotide variant.
Coding change: c.497A>G on transcript NM_004795.4 (MANE Select); coding-DNA position 497, A replaced by G.
Protein change: p.Asn166Ser; replaces asparagine 166 with serine.
Molecular consequence: missense variant.
Genome position (GRCh38, 1-based): chr13:33,016,937, A>G. VCF-style: chr13-33016937-A-G. GRCh37 (hg19) VCF-style: chr13-33591075-A-G.
Other names: short protein forms N166S.
Identifiers: ClinVar variation 64551 (VCV000064551.7), dbSNP rs387907444, ClinGen allele CA216387.